The following is an entry in ClinVar:

ClinVar aggregate classification (germline): Uncertain significance. Review status: criteria provided, multiple submitters, no conflicts (2 of 4 stars). 5 submissions from 5 submitters: Uncertain significance (4). 1 of the submissions does not count toward it. Last evaluated 2025-11-14.

Conditions:
NR2E3-related disorder. Also called: NR2E3-related condition; NR2E3-related disorders. Identifiers: MedGen CN239387.
Enhanced S-cone syndrome (ESCS). Identifiers: Orphanet 53540, MedGen C1849394, MONDO:0100288, MONDO:0009989.
Inborn genetic diseases. Identifiers: MedGen C0950123, MeSH D030342.

Submissions (5):

PreventionGenetics, part of Exact Sciences
Classification: Uncertain significance for NR2E3-related condition. Last evaluated: 2025-11-14. Review status: criteria provided, single submitter. Criteria: ACMG Guidelines, 2015. Collection method: clinical testing. Allele origin: germline.
Comment: The NR2E3 c.253G>T variant is predicted to result in the amino acid substitution p.Val85Leu. To our knowledge, this variant has not been reported in the literature or in a large population database (gnomAD), indicating this variant is rare. At this time, the clinical significance of this variant is uncertain due to the absence of conclusive functional and genetic evidence.

Blueprint Genetics
Classification: Uncertain significance. Last evaluated: 2024-02-27. Review status: criteria provided, single submitter. Criteria: ACMG Guidelines, 2015. Collection method: clinical testing. Allele origin: germline.

Ambry Genetics
Classification: Uncertain significance for Inborn genetic diseases. Last evaluated: 2023-05-31. Review status: criteria provided, single submitter. Criteria: Ambry Variant Classification Scheme 2023. Collection method: clinical testing. Allele origin: germline.

Labcorp Genetics (formerly Invitae), Labcorp
Classification: Uncertain significance. Last evaluated: 2022-07-17. Review status: criteria provided, single submitter. Criteria: Invitae Variant Classification Sherloc (09022015). Collection method: clinical testing. Allele origin: germline.
Comment: This sequence change replaces valine, which is neutral and non-polar, with leucine, which is neutral and non-polar, at codon 85 of the NR2E3 protein (p.Val85Leu). This variant is not present in population databases (gnomAD no frequency). This variant has not been reported in the literature in individuals affected with NR2E3-related conditions. Experimental studies and prediction algorithms are not available or were not evaluated, and the functional significance of this variant is currently unknown. In summary, the available evidence is currently insufficient to determine the role of this variant in disease. Therefore, it has been classified as a Variant of Uncertain Significance.

Natera, Inc.
Classification: Uncertain significance for Enhanced S cone syndrome. Last evaluated: 2025-01-23. Review status: no assertion criteria provided. Collection method: clinical testing. Allele origin: germline. Not counted in ClinVar's aggregate classification.

NM_014249.4(NR2E3):c.253G>T (p.Val85Leu)

Gene: NR2E3 (nuclear receptor subfamily 2 group E member 3; plus strand). Cytogenetic location: 15q23.
Variant type: single nucleotide variant.
Coding change: c.253G>T on transcript NM_014249.4 (MANE Select); coding-DNA position 253, G replaced by T.
Protein change: p.Val85Leu; replaces valine 85 with leucine.
Molecular consequence: missense variant.
Genome position (GRCh38, 1-based): chr15:71,811,773, G>T. VCF-style: chr15-71811773-G-T. GRCh37 (hg19) VCF-style: chr15-72104113-G-T.
Other names: c.253G>T (NM_014249.3, NM_014249.2); c.253G>T, p.Val85Leu (NM_016346.4); short protein forms V85L.
Identifiers: ClinVar variation 2146056 (VCV002146056.6), dbSNP rs1025686445, ClinGen allele CA272574966.
Genomic context (GRCh38, chr15:71,811,773, plus strand): 5'-GGCTCAGGGCATGGGAGGGACACTGACCCCTGGGGTCTCCTCTTCACCTGCAGGTGCCAG[G>T]TGGGGGCAGGGATGTGCCCCGTGGACAAGGCCCACCGCAACCAGTGCCAGGCCTGCCGGC-3'
Protein context (NP_055064.1, residues 75-95): VRRRLIYRCQ[Val85Leu]GAGMCPVDKA